The following is an entry in ClinVar:

ClinVar aggregate classification (germline): Uncertain significance (1 of 4 stars; one submission).

Conditions:
Familial adenomatous polyposis 1 (FAP1). Also called: FAMILIAL ADENOMATOUS POLYPOSIS 1, ATTENUATED; POLYPOSIS, ADENOMATOUS INTESTINAL. Identifiers: MedGen C2713442, MONDO:0021056, OMIM 175100. Disease mechanism: loss of function.

Submission:

Labcorp Genetics (formerly Invitae), Labcorp
Classification: Uncertain significance for Familial adenomatous polyposis 1. Last evaluated: 2025-11-13. Review status: criteria provided, single submitter. Criteria: Invitae Variant Classification Sherloc (09022015). Collection method: clinical testing. Allele origin: germline.
Comment: This sequence change replaces valine, which is neutral and non-polar, with aspartic acid, which is acidic and polar, at codon 1834 of the APC protein (p.Val1834Asp). This variant is not present in population databases (gnomAD no frequency). This variant has not been reported in the literature in individuals affected with APC-related conditions. Invitae Evidence Modeling of protein sequence and biophysical properties (such as structural, functional, and spatial information, amino acid conservation, physicochemical variation, residue mobility, and thermodynamic stability) indicates that this missense variant is not expected to disrupt APC protein function with a negative predictive value of 95%. In summary, the available evidence is currently insufficient to determine the role of this variant in disease. Therefore, it has been classified as a Variant of Uncertain Significance.

NM_000038.6(APC):c.5501T>A (p.Val1834Asp)

Gene: APC (APC regulator of Wnt signaling pathway; plus strand). Cytogenetic location: 5q22.2.
Variant type: single nucleotide variant.
Coding change: c.5501T>A on transcript NM_000038.6 (MANE Select); coding-DNA position 5501, T replaced by A.
Protein change: p.Val1834Asp; replaces valine 1834 with aspartic acid.
Molecular consequence: missense variant. On other transcripts: non-coding transcript variant (2).
Genome position (GRCh38, 1-based): chr5:112,841,095, T>A. VCF-style: chr5-112841095-T-A. GRCh37 (hg19) VCF-style: chr5-112176792-T-A.
Other names: c.5555T>A, p.Val1852Asp (NM_001407447.1, NM_001407448.1, NM_001407449.1 and 1 more transcripts); c.5501T>A, p.Val1834Asp (NM_001407450.1, NM_001127510.3, NM_001354895.2); c.5480T>A, p.Val1827Asp (NM_001407451.1); c.5471T>A, p.Val1824Asp (NM_001407452.1); c.5324T>A, p.Val1775Asp (NM_001407453.1, NM_001354901.2); c.5252T>A, p.Val1751Asp (NM_001407454.1, NM_001407456.1, NM_001407457.1 and 1 more transcripts); c.5198T>A, p.Val1733Asp (NM_001407458.1, NM_001354903.2, NM_001407459.1 and 1 more transcripts); c.5447T>A, p.Val1816Asp (NM_001127511.3); and 11 more; short protein forms V1450D, V1551D, V1674D, V1705D, V1708D, V1733D, V1743D, V1751D.
Identifiers: ClinVar variation 4801496 (VCV004801496.1).